The following is an entry in ClinVar:

NM_001267550.2(TTN):c.11311+2034G>A

Gene: TTN (titin; minus strand). Cytogenetic location: 2q31.2.
Variant type: single nucleotide variant.
Coding change: c.11311+2034G>A on transcript NM_001267550.2 (MANE Select); 2034 bases into the intron after coding-DNA position 11311, G replaced by A.
Molecular consequence: intron variant. On other transcripts: synonymous variant (1).
Genome position (GRCh38, 1-based): chr2:178,751,090, C>T on the plus strand (G>A on the coding strand, the complement: TTN is on the minus strand). VCF-style: chr2-178751090-C-T. GRCh37 (hg19) VCF-style: chr2-179615817-C-T.
Other names: c.11310G>A, p.Val3770= (NM_133379.5); c.10222+2034G>A (NM_003319.4); c.10798+2034G>A (NM_133437.4); c.10597+2034G>A (NM_133432.3); c.10360+2034G>A (NM_133378.4, NM_001256850.1).
Identifiers: ClinVar variation 2651707 (VCV002651707.24), dbSNP rs1360188274, ClinGen allele CA538438062.

ClinVar aggregate classification (germline): Likely benign (1 of 4 stars; one submission).

Allele frequency attached by ClinVar (database versions not stated): TOPMed below 0.00001; gnomAD 0.00001; gnomAD exomes 0.00001.
gnomAD v4.1: 4 of 1,612,630 alleles (0.00025%); highest among the groups gnomAD compares: Admixed American, 0.0017%; no homozygotes.

Submission:

CeGaT Center for Human Genetics Tuebingen
Classification: Likely benign. Last evaluated: 2022-08-01. Review status: criteria provided, single submitter. Criteria: CeGaT Center For Human Genetics Tuebingen Variant Classification Criteria Version 2. Collection method: clinical testing. Allele origin: germline. Affected: yes. Observed: 1 variant allele.
Comment: TTN: BP4, BP7